The following is an entry in ClinVar:

NM_014846.4(WASHC5):c.50G>C (p.Arg17Thr)

Gene: WASHC5 (WASH complex subunit 5; minus strand). Cytogenetic location: 8q24.13.
Variant type: single nucleotide variant.
Coding change: c.50G>C on transcript NM_014846.4 (MANE Select); coding-DNA position 50, G replaced by C.
Protein change: p.Arg17Thr; replaces arginine 17 with threonine.
Molecular consequence: missense variant. On other transcripts: intron variant (1).
Genome position (GRCh38, 1-based): chr8:125,083,849, C>G on the plus strand (G>C on the coding strand, the complement: WASHC5 is on the minus strand). VCF-style: chr8-125083849-C-G. GRCh37 (hg19) VCF-style: chr8-126096091-C-G.
Other names: c.-258-591G>C (NM_001330609.2); short protein forms R17T.
Identifiers: ClinVar variation 2106569 (VCV002106569.4), dbSNP rs763163919, ClinGen allele CA372268587.

ClinVar aggregate classification (germline): Uncertain significance (1 of 4 stars; one submission).

Conditions:
Hereditary spastic paraplegia 8 (SPG8). Also called: SPASTIC PARAPLEGIA 8, AUTOSOMAL DOMINANT. Identifiers: Orphanet 100989, MedGen C1863704, MONDO:0011339, OMIM 603563.
Ritscher-Schinzel syndrome. Also called: CRANIOCEREBELLOCARDIAC DYSPLASIA. Identifiers: Orphanet 7, MedGen C0796137, MONDO:0019078.

Submission:

Labcorp Genetics (formerly Invitae), Labcorp
Classification: Uncertain significance for Ritscher-Schinzel syndrome; Hereditary spastic paraplegia 8. Last evaluated: 2024-10-29. Review status: criteria provided, single submitter. Criteria: Invitae Variant Classification Sherloc (09022015). Collection method: clinical testing. Allele origin: germline.
Comment: This sequence change replaces arginine, which is basic and polar, with threonine, which is neutral and polar, at codon 17 of the WASHC5 protein (p.Arg17Thr). This variant is not present in population databases (gnomAD no frequency). This variant has not been reported in the literature in individuals affected with WASHC5-related conditions. ClinVar contains an entry for this variant (Variation ID: 2106569). Invitae Evidence Modeling of protein sequence and biophysical properties (such as structural, functional, and spatial information, amino acid conservation, physicochemical variation, residue mobility, and thermodynamic stability) indicates that this missense variant is not expected to disrupt WASHC5 protein function with a negative predictive value of 80%. In summary, the available evidence is currently insufficient to determine the role of this variant in disease. Therefore, it has been classified as a Variant of Uncertain Significance.